The following is an entry in ClinVar:

ClinVar aggregate classification (germline): Uncertain significance. Review status: criteria provided, multiple submitters, no conflicts (2 of 4 stars). 2 submissions from 2 submitters: Uncertain significance (2). Last evaluated 2024-07-09.

Conditions:
Hereditary cancer-predisposing syndrome. Also called: Neoplastic Syndromes, Hereditary; Tumor predisposition; Hereditary Cancer Syndrome; Hereditary neoplastic syndrome. Identifiers: Orphanet 140162, MedGen C0027672, MeSH D009386, MONDO:0015356.
Familial cancer of breast. Also called: Hereditary breast cancer; hereditary breast carcinoma; BREAST CANCER, FAMILIAL. Identifiers: Orphanet 227535, MedGen C0346153, MONDO:0016419, OMIM 114480. Disease mechanism: loss of function.

Submissions (2):

Labcorp Genetics (formerly Invitae), Labcorp
Classification: Uncertain significance for Familial cancer of breast. Last evaluated: 2024-07-09. Review status: criteria provided, single submitter. Criteria: Invitae Variant Classification Sherloc (09022015). Collection method: clinical testing. Allele origin: germline.
Comment: This sequence change replaces valine, which is neutral and non-polar, with leucine, which is neutral and non-polar, at codon 287 of the PALB2 protein (p.Val287Leu). This variant is not present in population databases (gnomAD no frequency). This variant has not been reported in the literature in individuals affected with PALB2-related conditions. ClinVar contains an entry for this variant (Variation ID: 1027006). An algorithm developed to predict the effect of missense changes on protein structure and function outputs the following: PolyPhen-2: "Benign". The leucine amino acid residue is found in multiple mammalian species, which suggests that this missense change does not adversely affect protein function. In summary, the available evidence is currently insufficient to determine the role of this variant in disease. Therefore, it has been classified as a Variant of Uncertain Significance.

Ambry Genetics
Classification: Uncertain significance for Hereditary cancer-predisposing syndrome. Last evaluated: 2022-08-16. Review status: criteria provided, single submitter. Criteria: Ambry Variant Classification Scheme 2023. Collection method: clinical testing. Allele origin: germline.
Comment: The p.V287L variant (also known as c.859G>T), located in coding exon 4 of the PALB2 gene, results from a G to T substitution at nucleotide position 859. The valine at codon 287 is replaced by leucine, an amino acid with highly similar properties. This amino acid position is conserved. In addition, this alteration is predicted to be tolerated by in silico analysis. Since supporting evidence is limited at this time, the clinical significance of this alteration remains unclear.

NM_024675.4(PALB2):c.859G>T (p.Val287Leu)

Gene: PALB2 (partner and localizer of BRCA2; minus strand). Cytogenetic location: 16p12.2.
Variant type: single nucleotide variant.
Coding change: c.859G>T on transcript NM_024675.4 (MANE Select); coding-DNA position 859, G replaced by T.
Protein change: p.Val287Leu; replaces valine 287 with leucine.
Molecular consequence: missense variant.
Genome position (GRCh38, 1-based): chr16:23,635,687, C>A on the plus strand (G>T on the coding strand, the complement: PALB2 is on the minus strand). VCF-style: chr16-23635687-C-A. GRCh37 (hg19) VCF-style: chr16-23647008-C-A.
Other names: short protein forms V287L.
Identifiers: ClinVar variation 1027006 (VCV001027006.12), dbSNP rs1967014349, ClinGen allele CA395135833.